The following is an entry in ClinVar:

ClinVar aggregate classification (germline): Pathogenic. Review status: criteria provided, multiple submitters, no conflicts (2 of 4 stars). 2 submissions from 2 submitters: Pathogenic (2). Last evaluated 2023-08-18.

Conditions:
Early-infantile DEE. Also called: Ohtahara syndrome; Early infantile epileptic encephalopathy; Early infantile epileptic encephalopathy with suppression bursts. Identifiers: Orphanet 1934, MedGen C0393706, MONDO:0800491.

Submissions (2):

Labcorp Genetics (formerly Invitae), Labcorp
Classification: Pathogenic for Early-infantile DEE. Last evaluated: 2023-08-18. Review status: criteria provided, single submitter. Criteria: Invitae Variant Classification Sherloc (09022015). Collection method: clinical testing. Allele origin: germline.
Comment: For these reasons, this variant has been classified as Pathogenic. ClinVar contains an entry for this variant (Variation ID: 206903). This premature translational stop signal has been observed in individual(s) with Dravet syndrome and clinical features of SCN1A-related conditions (PMID: 18930999, 29655203). This variant is not present in population databases (gnomAD no frequency). This sequence change creates a premature translational stop signal (p.Val857Phefs*20) in the SCN1A gene. It is expected to result in an absent or disrupted protein product. Loss-of-function variants in SCN1A are known to be pathogenic (PMID: 17347258, 18930999).

GeneDx
Classification: Pathogenic. Last evaluated: 2014-06-10. Review status: criteria provided, single submitter. Criteria: GeneDx Variant Classification (06012015). Collection method: clinical testing. Allele origin: germline. Affected: yes.
Comment: c.2569delG: p.Val857PhefsX20 (V857FfsX20) in exon 14 of the SCN1A gene (NM_001165963.1). The normal sequence with the base that is deleted in braces is: ATCT{G}TTCT. The c.2569delG mutation in the SCN1A gene has been reported previously in association with Dravet syndrome (Depienne et al., 2009). The deletion causes a frameshift starting with codon Valine 857, changes this amino acid to a Phenylalanine residue and creates a premature Stop codon at position 20 of the new reading frame, denoted p.Val857PhefsX20. This mutation is predicted to cause loss of normal protein function either through protein truncation or nonsense-mediated mRNA decay. The variant is found in INFANT-EPI panel(s).

Literature cited by the submitters: PubMed 18930999 (cited by Labcorp Genetics (formerly Invitae), Labcorp); PubMed 29655203 (cited by Labcorp Genetics (formerly Invitae), Labcorp); PubMed 17347258 (cited by Labcorp Genetics (formerly Invitae), Labcorp).

NM_001165963.4(SCN1A):c.2569del (p.Val857fs)

Gene: SCN1A (sodium voltage-gated channel alpha subunit 1; minus strand). Cytogenetic location: 2q24.3.
Variant type: Deletion.
Coding change: c.2569del on transcript NM_001165963.4 (MANE Select); coding-DNA position 2569, one base deleted (G; older notation c.2569delG).
Protein change: p.Val857fs; shifts the reading frame from valine 857.
Molecular consequence: frameshift variant. On other transcripts: non-coding transcript variant (1).
Genome position (GRCh38, 1-based): chr2:166,039,443, C deleted on the plus strand (G on the coding strand, the reverse complement: SCN1A is on the minus strand). VCF-style (leftmost placement, unchanged base first): chr2-166039442-AC-A. GRCh37 (hg19) VCF-style: chr2-166895952-AC-A.
Other names: c.2485del, p.Val829fs (NM_001165964.3, NM_001353957.2, NM_001353958.2); c.2569del, p.Val857fs (NM_001202435.3, NM_001353948.2); c.2536del, p.Val846fs (NM_001353949.2, NM_001353950.2, NM_001353951.2 and 2 more transcripts); c.2533del, p.Val845fs (NM_001353954.2, NM_001353955.2); c.2482del, p.Val828fs (NM_001353960.2); c.127del, p.Val43fs (NM_001353961.2); short protein forms V43fs, V828fs, V846fs, V829fs, V857fs, V845fs.
Identifiers: ClinVar variation 206903 (VCV000206903.4), dbSNP rs796053065, ClinGen allele CA317715.